The following is an entry in ClinVar:

ClinVar aggregate classification (germline): Uncertain significance. Review status: criteria provided, multiple submitters, no conflicts (2 of 4 stars). 3 submissions from 3 submitters: Uncertain significance (3). Last evaluated 2026-01-06.

Conditions:
MYH6-related disorder. Also called: MYH6-related condition; MYH6-Related Disorders.
Hypertrophic cardiomyopathy 14. Identifiers: MedGen C2750467, MONDO:0013197, OMIM 613251.
Cardiovascular phenotype. Identifiers: MedGen CN230736.

Allele frequency attached by ClinVar (database versions not stated): gnomAD 0.00001; TOPMed 0.00001; gnomAD exomes 0.00002.
gnomAD v4.1: 28 of 1,611,272 alleles (0.0017%); highest among the groups gnomAD compares: African/African-American, 0.0027%; no homozygotes.

Submissions (3):

Ambry Genetics
Classification: Uncertain significance for Cardiovascular phenotype. Last evaluated: 2026-01-06. Review status: criteria provided, single submitter. Criteria: Ambry Variant Classification Scheme 2023. Collection method: clinical testing. Allele origin: germline.
Comment: The p.K1850R variant (also known as c.5549A>G), located in coding exon 34 of the MYH6 gene, results from an A to G substitution at nucleotide position 5549. The lysine at codon 1850 is replaced by arginine, an amino acid with highly similar properties. This amino acid position is conserved. In addition, the in silico prediction for this alteration is inconclusive. Based on the available evidence, the clinical significance of this variant remains unclear.

PreventionGenetics, part of Exact Sciences
Classification: Uncertain significance for MYH6-related condition. Last evaluated: 2025-06-19. Review status: criteria provided, single submitter. Criteria: ACMG Guidelines, 2015. Collection method: clinical testing. Allele origin: germline.
Comment: The MYH6 c.5549A>G variant is predicted to result in the amino acid substitution p.Lys1850Arg. To our knowledge, this variant has not been reported in the literature. This variant is reported in 0.0080% of alleles in individuals of African descent in gnomAD. At this time, the clinical significance of this variant is uncertain due to the absence of conclusive functional and genetic evidence.

Labcorp Genetics (formerly Invitae), Labcorp
Classification: Uncertain significance for Hypertrophic cardiomyopathy 14. Last evaluated: 2023-03-29. Review status: criteria provided, single submitter. Criteria: Invitae Variant Classification Sherloc (09022015). Collection method: clinical testing. Allele origin: germline.
Comment: This sequence change replaces lysine, which is basic and polar, with arginine, which is basic and polar, at codon 1850 of the MYH6 protein (p.Lys1850Arg). In summary, the available evidence is currently insufficient to determine the role of this variant in disease. Therefore, it has been classified as a Variant of Uncertain Significance. Advanced modeling of protein sequence and biophysical properties (such as structural, functional, and spatial information, amino acid conservation, physicochemical variation, residue mobility, and thermodynamic stability) performed at Invitae indicates that this missense variant is not expected to disrupt MYH6 protein function. This variant has not been reported in the literature in individuals affected with MYH6-related conditions. This variant is present in population databases (no rsID available, gnomAD 0.008%).

NM_002471.4(MYH6):c.5549A>G (p.Lys1850Arg)

Gene: MYH6 (myosin heavy chain 6; minus strand). Cytogenetic location: 14q11.2.
Variant type: single nucleotide variant.
Coding change: c.5549A>G on transcript NM_002471.4 (MANE Select); coding-DNA position 5549, A replaced by G.
Protein change: p.Lys1850Arg; replaces lysine 1850 with arginine.
Molecular consequence: missense variant.
Genome position (GRCh38, 1-based): chr14:23,384,458, T>C on the plus strand (A>G on the coding strand, the complement: MYH6 is on the minus strand). VCF-style: chr14-23384458-T-C. GRCh37 (hg19) VCF-style: chr14-23853667-T-C.
Other names: short protein forms K1850R.
Identifiers: ClinVar variation 2738519 (VCV002738519.5), dbSNP rs887453569, ClinGen allele CA257776255.